The following is an entry in ClinVar:

NM_000238.4(KCNH2):c.1396G>T (p.Asp466Tyr)

Gene: KCNH2 (potassium voltage-gated channel subfamily H member 2; minus strand). Cytogenetic location: 7q36.1.
Variant type: single nucleotide variant.
Coding change: c.1396G>T on transcript NM_000238.4 (MANE Select); coding-DNA position 1396, G replaced by T.
Protein change: p.Asp466Tyr; replaces aspartic acid 466 with tyrosine.
Molecular consequence: missense variant.
Genome position (GRCh38, 1-based): chr7:150,952,586, C>A on the plus strand (G>T on the coding strand, the complement: KCNH2 is on the minus strand). VCF-style: chr7-150952586-C-A. GRCh37 (hg19) VCF-style: chr7-150649674-C-A.
Other names: c.1396G>T (LRG_288t1); c.376G>T, p.Asp126Tyr (NM_001204798.2, NM_172057.3); c.1108G>T, p.Asp370Tyr (NM_001406753.1, NM_001406756.1); c.1219G>T, p.Asp407Tyr (NM_001406755.1); c.1096G>T, p.Asp366Tyr (NM_001406757.1); c.1396G>T, p.Asp466Tyr (NM_172056.3); short protein forms D126Y, D466Y, D407Y, D370Y, D366Y.
Identifiers: ClinVar variation 67194 (VCV000067194.4), dbSNP rs199473511, ClinGen allele CA004558.
Genomic context (GRCh38, chr7:150,952,586, plus strand): 5'-GGTGGCTGACCACCTCCTCGTTGGCATTGACGTAGGTGGTGCGGAAGTTGATGAGGATGT[C>A]CACAATGAACATGATGTCCACGATGAGGTCCACCACAGCCAGCGGCTGGCAGGCGTAGCC-3'
Protein context (NP_000229.1, residues 456-476): DLIVDIMFIV[Asp466Tyr]ILINFRTTYV

ClinVar aggregate classification (germline): Uncertain significance. Review status: criteria provided, single submitter (1 of 4 stars). 2 submissions from 2 submitters: Uncertain significance (1). 1 of the submissions does not count toward it. Last evaluated 2023-02-15.

Conditions:
Cardiovascular phenotype. Identifiers: MedGen CN230736.
Familial long QT syndrome (RWS). Also called: Congenital long QT syndrome; Romano-Ward syndrome; VENTRICULAR FIBRILLATION WITH PROLONGED QT INTERVAL. Identifiers: Orphanet 768, MedGen C1141890, MONDO:0019171.

Submissions (2):

Ambry Genetics
Classification: Uncertain significance for Cardiovascular phenotype. Last evaluated: 2023-02-15. Review status: criteria provided, single submitter. Criteria: Ambry General Variant Classification Scheme_2022. Collection method: clinical testing. Allele origin: germline.
Comment: The p.D466Y variant (also known as c.1396G>T), located in coding exon 6 of the KCNH2 gene, results from a G to T substitution at nucleotide position 1396. The aspartic acid at codon 466 is replaced by tyrosine, an amino acid with highly dissimilar properties. This alteration has been reported in a long QT syndrome genetic testing cohort; however, clinical details were limited (Kapplinger JD et al. Heart Rhythm, 2009 Sep;6:1297-303). This amino acid position is highly conserved in available vertebrate species. In addition, this alteration is predicted to be deleterious by in silico analysis. Since supporting evidence is limited at this time, the clinical significance of this alteration remains unclear.

Cardiovascular Biomedical Research Unit, Royal Brompton & Harefield NHS Foundation Trust
No classification provided. Condition: Familial long QT syndrome. Review status: no classification provided. Collection method: literature only. Allele origin: germline. Not counted in ClinVar's aggregate classification.
Comment: This variant has been reported as associated with Long QT syndrome in the following publications (PMID:19716085). This is a literature report, and does not necessarily reflect the clinical interpretation of the Imperial College / Royal Brompton Cardiovascular Genetics laboratory.

Literature cited by the submitters: PubMed 19716085 (cited by Ambry Genetics and Cardiovascular Biomedical Research Unit, Royal Brompton & Harefield NHS Foundation Trust); PubMed 22581653 (cited by Cardiovascular Biomedical Research Unit, Royal Brompton & Harefield NHS Foundation Trust).